The following is an entry in ClinVar:

NM_021224.6(ZNF462):c.3742G>A (p.Val1248Met)

Gene: ZNF462 (zinc finger protein 462; plus strand). Cytogenetic location: 9q31.2.
Variant type: single nucleotide variant.
Coding change: c.3742G>A on transcript NM_021224.6 (MANE Select); coding-DNA position 3742, G replaced by A.
Protein change: p.Val1248Met; replaces valine 1248 with methionine.
Molecular consequence: missense variant. On other transcripts: intron variant (1).
Genome position (GRCh38, 1-based): chr9:106,927,654, G>A. VCF-style: chr9-106927654-G-A. GRCh37 (hg19) VCF-style: chr9-109689935-G-A.
Other names: c.3252+490G>A (NM_001347997.2); c.3742G>A (NM_021224.4); short protein forms V1248M.
Identifiers: ClinVar variation 2629009 (VCV002629009.2), dbSNP rs370669253, ClinGen allele CA5171711.

ClinVar aggregate classification (germline): Conflicting classifications of pathogenicity. Review status: criteria provided, conflicting classifications (1 of 4 stars). 2 submissions from 2 submitters: Uncertain significance (1); Likely benign (1). Last evaluated 2024-11-09.

Conditions:
ZNF462-related disorder. Also called: ZNF462 related disease; ZNF462-related condition.
Inborn genetic diseases. Identifiers: MedGen C0950123, MeSH D030342.

Allele frequency attached by ClinVar (database versions not stated): gnomAD 0.00001; TOPMed 0.00002; ExAC 0.00005; ESP Exome Variant Server 0.00008.
gnomAD v4.1: 68 of 1,613,864 alleles (0.0042%); highest among the groups gnomAD compares: East Asian, 0.027%; no homozygotes.

Submissions (2):

Ambry Genetics
Classification: Likely benign for Inborn genetic diseases. Last evaluated: 2024-11-09. Review status: criteria provided, single submitter. Criteria: Ambry Variant Classification Scheme 2023. Collection method: clinical testing. Allele origin: germline.

PreventionGenetics, part of Exact Sciences
Classification: Uncertain significance for ZNF462-related condition. Last evaluated: 2023-08-09. Review status: criteria provided, single submitter. Criteria: ACMG Guidelines, 2015. Collection method: clinical testing. Allele origin: germline.
Comment: The ZNF462 c.3742G>A variant is predicted to result in the amino acid substitution p.Val1248Met. To our knowledge, this variant has not been reported in the literature. This variant is reported in 0.016% of alleles in individuals of East Asian descent in gnomAD, which may be too common to be a primary cause of disease. Although we suspect that this variant may be benign, at this time, the clinical significance of this variant is uncertain due to the absence of conclusive functional and genetic evidence.